The following is an entry in ClinVar:

ClinVar aggregate classification (germline): Uncertain significance. Review status: criteria provided, multiple submitters, no conflicts (2 of 4 stars). 3 submissions from 3 submitters: Uncertain significance (3). Last evaluated 2024-01-17.

Conditions:
Inborn genetic diseases. Identifiers: MedGen C0950123, MeSH D030342.
Cutis laxa with severe pulmonary, gastrointestinal and urinary anomalies. Also called: URBAN-RIFKIN-DAVIS SYNDROME; Cutis laxa, autosomal recessive, type IC; LTBP4-Related Cutis Laxa. Identifiers: Orphanet 221145, MedGen C2750804, MONDO:0013170, OMIM 613177. Disease mechanism: loss of function.

Allele frequency attached by ClinVar (database versions not stated): gnomAD 0.00001; TOPMed 0.00001; gnomAD exomes 0.00003; ExAC 0.00006.
gnomAD v4.1: 45 of 1,602,680 alleles (0.0028%); highest among the groups gnomAD compares: Non-Finnish European, 0.0031%; no homozygotes.

Submissions (3):

Ambry Genetics
Classification: Uncertain significance for Inborn genetic diseases. Last evaluated: 2024-01-17. Review status: criteria provided, single submitter. Criteria: Ambry Variant Classification Scheme 2023. Collection method: clinical testing. Allele origin: germline.

Labcorp Genetics (formerly Invitae), Labcorp
Classification: Uncertain significance. Last evaluated: 2022-07-06. Review status: criteria provided, single submitter. Criteria: Invitae Variant Classification Sherloc (09022015). Collection method: clinical testing. Allele origin: germline.
Comment: This sequence change replaces alanine, which is neutral and non-polar, with valine, which is neutral and non-polar, at codon 237 of the LTBP4 protein (p.Ala237Val). This variant is present in population databases (rs749410105, gnomAD 0.007%). This variant has not been reported in the literature in individuals affected with LTBP4-related conditions. ClinVar contains an entry for this variant (Variation ID: 1214505). Experimental studies and prediction algorithms are not available or were not evaluated, and the functional significance of this variant is currently unknown. In summary, the available evidence is currently insufficient to determine the role of this variant in disease. Therefore, it has been classified as a Variant of Uncertain Significance.

GeneDx
Classification: Uncertain significance. Last evaluated: 2021-05-13. Review status: criteria provided, single submitter. Criteria: GeneDx Variant Classification Process June 2021. Collection method: clinical testing. Allele origin: germline. Affected: yes.
Comment: Not observed at a significant frequency in large population cohorts (Lek et al., 2016); In silico analysis supports that this missense variant does not alter protein structure/function; Has not been previously published as pathogenic or benign to our knowledge

NM_001042545.2(LTBP4):c.620C>T (p.Ala207Val)

Gene: LTBP4 (latent transforming growth factor beta binding protein 4; plus strand). Cytogenetic location: 19q13.2.
Variant type: single nucleotide variant.
Coding change: c.620C>T on transcript NM_001042545.2 (MANE Select); coding-DNA position 620, C replaced by T.
Protein change: p.Ala207Val; replaces alanine 207 with valine.
Molecular consequence: missense variant.
Genome position (GRCh38, 1-based): chr19:40,605,582, C>T. VCF-style: chr19-40605582-C-T. GRCh37 (hg19) VCF-style: chr19-41111488-C-T.
Other names: c.821C>T, p.Ala274Val (NM_001042544.1); c.710C>T, p.Ala237Val (NM_003573.2); short protein forms A207V, A237V, A274V.
Identifiers: ClinVar variation 1214505 (VCV001214505.7), dbSNP rs749410105, ClinGen allele CA9448076.